The following is an entry in ClinVar:

NM_015030.2(FRYL):c.2482T>A (p.Phe828Ile)

Gene: FRYL (FRY like transcription coactivator; minus strand). Cytogenetic location: 4p11.
Variant type: single nucleotide variant.
Coding change: c.2482T>A on transcript NM_015030.2 (MANE Select); coding-DNA position 2482, T replaced by A.
Protein change: p.Phe828Ile; replaces phenylalanine 828 with isoleucine.
Molecular consequence: missense variant.
Genome position (GRCh38, 1-based): chr4:48,579,019, A>T on the plus strand (T>A on the coding strand, the complement: FRYL is on the minus strand). VCF-style: chr4-48579019-A-T. GRCh37 (hg19) VCF-style: chr4-48581036-A-T.
Other names: short protein forms F828I.
Identifiers: ClinVar variation 4728940 (VCV004728940.1).
Genomic context (GRCh38, chr4:48,579,019, plus strand): 5'-GGAAAATAACTTACTTTATATCGACCTGAGGGGACAACAACTGAAGTCTTGTGTATGCAA[A>T]CATCCAAGCATAGCTCACAGCTGTAGAGCAGTGTTTAGGAAGATTTTCTTGCTTTAAAAA-3'
Protein context (NP_055845.1, residues 818-838): CSTAVSYAWM[Phe828Ile]AYTRLQLLSP

ClinVar aggregate classification (germline): Uncertain significance (1 of 4 stars; one submission).

gnomAD v4.1: 1 of 1,613,524 alleles (0.000062%); highest among the groups gnomAD compares: Admixed American, 0.0017%; no homozygotes.

Submission:

Labcorp Genetics (formerly Invitae), Labcorp
Classification: Uncertain significance. Last evaluated: 2025-10-11. Review status: criteria provided, single submitter. Criteria: Invitae Variant Classification Sherloc (09022015). Collection method: clinical testing. Allele origin: germline.
Comment: This sequence change replaces phenylalanine, which is neutral and non-polar, with isoleucine, which is neutral and non-polar, at codon 828 of the FRYL protein (p.Phe828Ile). This variant is present in population databases (no rsID available, gnomAD 0.003%). This variant has not been reported in the literature in individuals affected with FRYL-related conditions. An algorithm developed to predict the effect of missense changes on protein structure and function (PolyPhen-2) suggests that this variant is likely to be tolerated. In summary, the available evidence is currently insufficient to determine the role of this variant in disease. Therefore, it has been classified as a Variant of Uncertain Significance.